The following is an entry in ClinVar:

NM_198525.3(KIF7):c.2628C>G (p.Ile876Met)

Gene: KIF7 (kinesin family member 7; minus strand). Cytogenetic location: 15q26.1.
Variant type: single nucleotide variant.
Coding change: c.2628C>G on transcript NM_198525.3 (MANE Select); coding-DNA position 2628, C replaced by G.
Protein change: p.Ile876Met; replaces isoleucine 876 with methionine.
Molecular consequence: missense variant.
Genome position (GRCh38, 1-based): chr15:89,633,231, G>C on the plus strand (C>G on the coding strand, the complement: KIF7 is on the minus strand). VCF-style: chr15-89633231-G-C. GRCh37 (hg19) VCF-style: chr15-90176462-G-C.
Other names: short protein forms I876M.
Identifiers: ClinVar variation 1375543 (VCV001375543.6), dbSNP rs376919553, ClinGen allele CA7728062.

ClinVar aggregate classification (germline): Uncertain significance (1 of 4 stars; one submission).

Conditions:
Acrocallosal syndrome (ACLS). Also called: HALLUX DUPLICATION, POSTAXIAL POLYDACTYLY, AND ABSENCE OF CORPUS CALLOSUM; Schinzel syndrome 1; Absence of corpus callosum with unusual facial appearance, mental deficiency, duplication of the halluces and polydactyly. Identifiers: Orphanet 36, MedGen C0796147, MONDO:0008708, OMIM 200990.

Allele frequency attached by ClinVar (database versions not stated): gnomAD exomes 0.00003; ExAC 0.00004; ESP Exome Variant Server 0.00008.
gnomAD v4.1: 42 of 1,587,254 alleles (0.0026%); highest among the groups gnomAD compares: Non-Finnish European, 0.0034%; no homozygotes.

Submission:

Labcorp Genetics (formerly Invitae), Labcorp
Classification: Uncertain significance for Acrocallosal syndrome. Last evaluated: 2021-01-30. Review status: criteria provided, single submitter. Criteria: Invitae Variant Classification Sherloc (09022015). Collection method: clinical testing. Allele origin: germline.
Comment: In summary, the available evidence is currently insufficient to determine the role of this variant in disease. Therefore, it has been classified as a Variant of Uncertain Significance. Algorithms developed to predict the effect of missense changes on protein structure and function are either unavailable or do not agree on the potential impact of this missense change (SIFT: "Deleterious"; PolyPhen-2: "Possibly Damaging"; Align-GVGD: "Class C0"). This variant has not been reported in the literature in individuals with KIF7-related conditions. This variant is present in population databases (rs376919553, ExAC 0.008%). This sequence change replaces isoleucine with methionine at codon 876 of the KIF7 protein (p.Ile876Met). The isoleucine residue is highly conserved and there is a small physicochemical difference between isoleucine and methionine.